The following is an entry in ClinVar:

NM_014141.6(CNTNAP2):c.3247+15A>G

Gene: CNTNAP2 (contactin associated protein 2; plus strand). Cytogenetic location: 7q36.1.
Variant type: single nucleotide variant.
Coding change: c.3247+15A>G on transcript NM_014141.6 (MANE Select); 15 bases into the intron after coding-DNA position 3247, A replaced by G.
Molecular consequence: intron variant.
Genome position (GRCh38, 1-based): chr7:148,217,539, A>G. VCF-style: chr7-148217539-A-G. GRCh37 (hg19) VCF-style: chr7-147914631-A-G.
Identifiers: ClinVar variation 136824 (VCV000136824.16), dbSNP rs201602527, ClinGen allele CA290183.

ClinVar aggregate classification (germline): Benign/Likely benign. Review status: criteria provided, multiple submitters, no conflicts (2 of 4 stars). 5 submissions from 5 submitters: Benign (1); Likely benign (3). 1 of the submissions does not count toward it. Last evaluated 2026-02-06.

Conditions:
CNTNAP2-related disorder. Also called: CNTNAP2-related condition.
Cortical dysplasia-focal epilepsy syndrome (PTHSL1). Also called: Pitt-Hopkins-like syndrome 1. Identifiers: Orphanet 163681, Orphanet 221150, MedGen C2750246, MONDO:0012400, OMIM 610042.

Allele frequency attached by ClinVar (database versions not stated): TOPMed 0.00031; gnomAD 0.00034 and 0.00036; ESP Exome Variant Server 0.00054.
gnomAD v4.1: 612 of 1,609,816 alleles (0.038%); highest among the groups gnomAD compares: Non-Finnish European, 0.049%; no homozygotes.

Submissions (5):

Women's Health and Genetics/Laboratory Corporation of America, LabCorp
Classification: Likely benign. Last evaluated: 2026-02-06. Review status: criteria provided, single submitter. Criteria: LabCorp Variant Classification Summary - May 2015. Collection method: clinical testing. Allele origin: germline.

Labcorp Genetics (formerly Invitae), Labcorp
Classification: Likely benign for Cortical dysplasia-focal epilepsy syndrome. Last evaluated: 2026-01-13. Review status: criteria provided, single submitter. Criteria: Invitae Variant Classification Sherloc (09022015). Collection method: clinical testing. Allele origin: germline.

Blueprint Genetics
Classification: Likely benign. Last evaluated: 2024-09-07. Review status: criteria provided, single submitter. Criteria: ACMG Guidelines, 2015. Collection method: clinical testing. Allele origin: germline.

GeneDx
Classification: Benign. Last evaluated: 2012-12-21. Review status: criteria provided, single submitter. Criteria: GeneDx Variant Classification (06012015). Collection method: clinical testing. Allele origin: germline. Affected: yes.
Comment: This variant is considered likely benign or benign based on one or more of the following criteria: it is a conservative change, it occurs at a poorly conserved position in the protein, it is predicted to be benign by multiple in silico algorithms, and/or has population frequency not consistent with disease.

PreventionGenetics, part of Exact Sciences
Classification: Likely benign for CNTNAP2-related condition. Last evaluated: 2021-12-22. Review status: no assertion criteria provided. Collection method: clinical testing. Allele origin: germline. Not counted in ClinVar's aggregate classification.
Comment: This variant is classified as likely benign based on ACMG/AMP sequence variant interpretation guidelines (Richards et al. 2015 PMID: 25741868, with internal and published modifications).